The following is an entry in ClinVar:

ClinVar aggregate classification (germline): Conflicting classifications of pathogenicity. Review status: criteria provided, conflicting classifications (1 of 4 stars). 3 submissions from 3 submitters: Uncertain significance (2); Likely benign (1). Last evaluated 2025-11-25.

Allele frequency attached by ClinVar (database versions not stated): gnomAD exomes 0.00001; ExAC 0.00002; gnomAD 0.00002 and 0.00003; TOPMed 0.00003.
gnomAD v4.1: 16 of 1,613,788 alleles (0.00099%); highest among the groups gnomAD compares: Admixed American, 0.0067%; no homozygotes.

Submissions (3):

Labcorp Genetics (formerly Invitae), Labcorp
Classification: Likely benign. Last evaluated: 2025-11-25. Review status: criteria provided, single submitter. Criteria: Invitae Variant Classification Sherloc (09022015). Collection method: clinical testing. Allele origin: germline.

Blueprint Genetics
Classification: Uncertain significance. Last evaluated: 2024-02-22. Review status: criteria provided, single submitter. Criteria: ACMG Guidelines, 2015. Collection method: clinical testing. Allele origin: germline.

ARUP Laboratories, Molecular Genetics and Genomics, ARUP Laboratories
Classification: Uncertain significance. Last evaluated: 2017-06-07. Review status: criteria provided, single submitter. Criteria: ARUP Molecular Germline Variant Investigation Process. Collection method: clinical testing. Allele origin: germline.
Comment: The p.Asp365Gly variant (rs779719772) has not been reported in the medical literature or gene specific variation databases. This variant is listed in genome Aggregation Database with an overall population frequency of 0.001 percent (identified on 3 out 246,086 chromosomes). The aspartic acid at position 365 is moderately conserved (considering 12 species) (Alamut V.2.9.0) and computational analyses of the effects of the p.Asp365Gly variant on protein structure and function providing conflicting results (SIFT: tolerated, MutationTaster: disease causing, PolyPhen-2: possibly damaging). Altogether, there is not enough evidence to classify the p.Asp365Gly variant with certainty.

NM_032119.4(ADGRV1):c.1094A>G (p.Asp365Gly)

Gene: ADGRV1 (adhesion G protein-coupled receptor V1; plus strand). Cytogenetic location: 5q14.3.
Variant type: single nucleotide variant.
Coding change: c.1094A>G on transcript NM_032119.4 (MANE Select); coding-DNA position 1094, A replaced by G.
Protein change: p.Asp365Gly; replaces aspartic acid 365 with glycine.
Molecular consequence: missense variant. On other transcripts: non-coding transcript variant (1).
Genome position (GRCh38, 1-based): chr5:90,627,632, A>G. VCF-style: chr5-90627632-A-G. GRCh37 (hg19) VCF-style: chr5-89923449-A-G.
Other names: short protein forms D365G.
Identifiers: ClinVar variation 617965 (VCV000617965.18), dbSNP rs779719772, ClinGen allele CA3338612.